The following is an entry in ClinVar:

NM_000246.4(CIITA):c.2775_2777delinsTT (p.Lys926fs)

Gene: CIITA (class II major histocompatibility complex transactivator; plus strand). Cytogenetic location: 16p13.13.
Variant type: Indel.
Coding change: c.2775_2777delinsTT on transcript NM_000246.4 (MANE Select); coding-DNA positions 2775 to 2777, GAA replaced by TT.
Protein change: p.Lys926fs; shifts the reading frame from lysine 926.
Molecular consequence: frameshift variant.
Genome position (GRCh38, 1-based): chr16:10,909,146-10,909,148, GAA replaced by TT. VCF-style: chr16-10909146-GAA-TT. GRCh37 (hg19) VCF-style: chr16-11003003-GAA-TT.
Other names: c.2778_2780delinsTT, p.Lys927fs (NM_001286402.1, NM_001379332.1); c.1023_1025delinsTT, p.Lys342fs (NM_001286403.2); c.2631_2633delinsTT, p.Lys878fs (NM_001379330.1); c.2628_2630delinsTT, p.Lys877fs (NM_001379331.1); c.2775_2777delinsTT, p.Lys926fs (NM_001379333.1); c.2706_2708delinsTT, p.Lys903fs (NM_001379334.1); short protein forms K342fs, K878fs, K927fs, K877fs, K903fs, K926fs.
Identifiers: ClinVar variation 1963807 (VCV001963807.5), dbSNP rs2544514798, ClinGen allele CA2580090701.

ClinVar aggregate classification (germline): Pathogenic (1 of 4 stars; one submission).

Conditions:
MHC class II deficiency. Also called: Bare lymphocyte syndrome 2; BLS, TYPE II. Identifiers: Orphanet 572, MedGen C5447452, MONDO:0008855.

Submission:

Labcorp Genetics (formerly Invitae), Labcorp
Classification: Pathogenic for MHC class II deficiency. Last evaluated: 2021-12-20. Review status: criteria provided, single submitter. Criteria: Invitae Variant Classification Sherloc (09022015). Collection method: clinical testing. Allele origin: germline.
Comment: This sequence change creates a premature translational stop signal (p.Lys926Trpfs*32) in the CIITA gene. It is expected to result in an absent or disrupted protein product. Loss-of-function variants in CIITA are known to be pathogenic (PMID: 8402893, 9099848, 26271388). Information on the frequency of this variant in the gnomAD database is not available, as this variant may be reported differently in the database. This variant has not been reported in the literature in individuals affected with CIITA-related conditions. For these reasons, this variant has been classified as Pathogenic.

Literature cited by the submitters: PubMed 8402893; PubMed 9099848; PubMed 26271388.